The following is an entry in ClinVar:

NM_020232.5(PSMG2):c.385C>T (p.Arg129Cys)

Gene: PSMG2 (proteasome assembly chaperone 2; plus strand). Cytogenetic location: 18p11.21.
Variant type: single nucleotide variant.
Coding change: c.385C>T on transcript NM_020232.5 (MANE Select); coding-DNA position 385, C replaced by T.
Protein change: p.Arg129Cys; replaces arginine 129 with cysteine.
Molecular consequence: missense variant.
Genome position (GRCh38, 1-based): chr18:12,718,613, C>T. VCF-style: chr18-12718613-C-T. GRCh37 (hg19) VCF-style: chr18-12718612-C-T.
Other names: c.292C>T, p.Arg98Cys (NM_147163.2); c.385C>T (NM_020232.4); short protein forms R129C, R98C.
Identifiers: ClinVar variation 2712991 (VCV002712991.4), dbSNP rs201041542, ClinGen allele CA8898383.

ClinVar aggregate classification (germline): Uncertain significance. Review status: criteria provided, multiple submitters, no conflicts (2 of 4 stars). 2 submissions from 2 submitters: Uncertain significance (2). Last evaluated 2025-08-23.

Allele frequency attached by ClinVar (database versions not stated): gnomAD exomes 0.00002; gnomAD 0.00003; TOPMed 0.00005; ExAC 0.00008; 1000 Genomes Project 30x 0.00016; 1000 Genomes Project 0.00020.
gnomAD v4.1: 37 of 1,605,000 alleles (0.0023%); highest among the groups gnomAD compares: East Asian, 0.058%; no homozygotes.

Submissions (2):

Ambry Genetics
Classification: Uncertain significance. Last evaluated: 2025-08-23. Review status: criteria provided, single submitter. Criteria: Ambry Variant Classification Scheme 2023. Collection method: clinical testing. Allele origin: germline.

Labcorp Genetics (formerly Invitae), Labcorp
Classification: Uncertain significance. Last evaluated: 2025-05-31. Review status: criteria provided, single submitter. Criteria: Invitae Variant Classification Sherloc (09022015). Collection method: clinical testing. Allele origin: germline.
Comment: This sequence change replaces arginine, which is basic and polar, with cysteine, which is neutral and slightly polar, at codon 129 of the PSMG2 protein (p.Arg129Cys). This variant is present in population databases (rs201041542, gnomAD 0.1%), and has an allele count higher than expected for a pathogenic variant. This variant has not been reported in the literature in individuals affected with PSMG2-related conditions. ClinVar contains an entry for this variant (Variation ID: 2712991). An algorithm developed to predict the effect of missense changes on protein structure and function outputs the following: PolyPhen-2: "Possibly Damaging". The cysteine amino acid residue is found in multiple mammalian species, which suggests that this missense change does not adversely affect protein function. Algorithms developed to predict the effect of sequence changes on RNA splicing suggest that this variant may disrupt the consensus splice site. In summary, the available evidence is currently insufficient to determine the role of this variant in disease. Therefore, it has been classified as a Variant of Uncertain Significance.